The following is an entry in ClinVar:

NM_002476.2(MYL4):c.405C>T (p.Phe135=)

Gene: MYL4 (myosin light chain 4; plus strand). Cytogenetic location: 17q21.32.
Variant type: single nucleotide variant.
Coding change: c.405C>T on transcript NM_002476.2 (MANE Select); coding-DNA position 405, C replaced by T.
Protein change: p.Phe135=; no amino-acid change (phenylalanine 135 retained).
Molecular consequence: synonymous variant.
Genome position (GRCh38, 1-based): chr17:47,221,773, C>T. VCF-style: chr17-47221773-C-T. GRCh37 (hg19) VCF-style: chr17-45299139-C-T.
Other names: c.405C>T, p.Phe135= (NM_001002841.2).
Identifiers: ClinVar variation 476203 (VCV000476203.13), dbSNP rs150593274, ClinGen allele CA8622736.

ClinVar aggregate classification (germline): Likely benign. Review status: criteria provided, multiple submitters, no conflicts (2 of 4 stars). 3 submissions from 3 submitters: Likely benign (2). 1 of the submissions does not count toward it. Last evaluated 2026-01-23.

Conditions:
MYL4-related disorder. Also called: MYL4-related condition.
Atrial fibrillation, familial, 18 (ATFB18). Identifiers: MedGen C4310636, MONDO:0015001, OMIM 617280.

Allele frequency attached by ClinVar (database versions not stated): ESP Exome Variant Server 0.00008; TOPMed 0.00009; gnomAD 0.00011; 1000 Genomes Project 30x 0.00016; ExAC 0.00016; gnomAD exomes 0.00016 and 0.00027; 1000 Genomes Project 0.00020.
gnomAD v4.1: 404 of 1,614,132 alleles (0.025%); highest among the groups gnomAD compares: Non-Finnish European, 0.031%; 1 homozygote.

Submissions (3):

Labcorp Genetics (formerly Invitae), Labcorp
Classification: Likely benign for Atrial fibrillation, familial, 18. Last evaluated: 2026-01-23. Review status: criteria provided, single submitter. Criteria: Invitae Variant Classification Sherloc (09022015). Collection method: clinical testing. Allele origin: germline.

Blueprint Genetics
Classification: Likely benign. Last evaluated: 2024-06-04. Review status: criteria provided, single submitter. Criteria: ACMG Guidelines, 2015. Collection method: clinical testing. Allele origin: germline.

PreventionGenetics, part of Exact Sciences
Classification: Likely benign for MYL4-related condition. Last evaluated: 2020-01-27. Review status: no assertion criteria provided. Collection method: clinical testing. Allele origin: germline. Not counted in ClinVar's aggregate classification.
Comment: This variant is classified as likely benign based on ACMG/AMP sequence variant interpretation guidelines (Richards et al. 2015 PMID: 25741868, with internal and published modifications).